The following is an entry in ClinVar:

NM_020533.3(MCOLN1):c.1237-2A>C

Gene: MCOLN1 (mucolipin TRP cation channel 1; plus strand). Cytogenetic location: 19p13.2.
Variant type: single nucleotide variant.
Coding change: c.1237-2A>C on transcript NM_020533.3 (MANE Select); the canonical splice acceptor site of the intron before coding-DNA position 1237, A replaced by C.
Molecular consequence: splice acceptor variant.
Genome position (GRCh38, 1-based): chr19:7,529,588, A>C. VCF-style: chr19-7529588-A-C. GRCh37 (hg19) VCF-style: chr19-7594474-A-C.
Identifiers: ClinVar variation 1067634 (VCV001067634.7), dbSNP rs2146025414, ClinGen allele CA403087207.

ClinVar aggregate classification (germline): Likely pathogenic (1 of 4 stars; one submission).

Conditions:
Mucolipidosis type IV (ML4). Also called: ML IV. Identifiers: Orphanet 578, MedGen C0238286, MONDO:0009653, OMIM 252650.

Submission:

Labcorp Genetics (formerly Invitae), Labcorp
Classification: Likely pathogenic for Mucolipidosis type IV. Last evaluated: 2020-07-12. Review status: criteria provided, single submitter. Criteria: Invitae Variant Classification Sherloc (09022015). Collection method: clinical testing. Allele origin: germline.
Comment: In summary, the currently available evidence indicates that the variant is pathogenic, but additional data are needed to prove that conclusively. Therefore, this variant has been classified as Likely Pathogenic. Donor and acceptor splice site variants typically lead to a loss of protein function (PMID: 16199547), and loss-of-function variants in MCOLN1 are known to be pathogenic (PMID: 11030752, 11317355). Algorithms developed to predict the effect of sequence changes on RNA splicing suggest that this variant may disrupt the consensus splice site, but this prediction has not been confirmed by published transcriptional studies. This variant has not been reported in the literature in individuals with MCOLN1-related conditions. This variant is not present in population databases (ExAC no frequency). This sequence change affects an acceptor splice site in intron 10 of the MCOLN1 gene. It is expected to disrupt RNA splicing and likely results in an absent or disrupted protein product.

Literature cited by the submitters: PubMed 16199547; PubMed 11030752; PubMed 11317355.